The following is an entry in ClinVar:

ClinVar aggregate classification (germline): Uncertain significance. Review status: criteria provided, multiple submitters, no conflicts (2 of 4 stars). 2 submissions from 2 submitters: Uncertain significance (2). Last evaluated 2025-08-20.

Conditions:
Hereditary cancer-predisposing syndrome. Also called: Hereditary neoplastic syndrome; Neoplastic Syndromes, Hereditary; Tumor predisposition; Hereditary Cancer Syndrome. Identifiers: Orphanet 140162, MedGen C0027672, MeSH D009386, MONDO:0015356.

Submissions (2):

Labcorp Genetics (formerly Invitae), Labcorp
Classification: Uncertain significance. Last evaluated: 2025-08-20. Review status: criteria provided, single submitter. Criteria: Invitae Variant Classification Sherloc (09022015). Collection method: clinical testing. Allele origin: germline.
Comment: This sequence change replaces glutamine, which is neutral and polar, with arginine, which is basic and polar, at codon 852 of the POLE protein (p.Gln852Arg). This variant is not present in population databases (gnomAD no frequency). This variant has not been reported in the literature in individuals affected with POLE-related conditions. ClinVar contains an entry for this variant (Variation ID: 947867). Invitae Evidence Modeling of protein sequence and biophysical properties (such as structural, functional, and spatial information, amino acid conservation, physicochemical variation, residue mobility, and thermodynamic stability) indicates that this missense variant is not expected to disrupt POLE protein function with a negative predictive value of 80%. In summary, the available evidence is currently insufficient to determine the role of this variant in disease. Therefore, it has been classified as a Variant of Uncertain Significance.

Ambry Genetics
Classification: Uncertain significance for Hereditary cancer-predisposing syndrome. Last evaluated: 2022-12-23. Review status: criteria provided, single submitter. Criteria: Ambry Variant Classification Scheme 2023. Collection method: clinical testing. Allele origin: germline.
Comment: The p.Q852R variant (also known as c.2555A>G), located in coding exon 22 of the POLE gene, results from an A to G substitution at nucleotide position 2555. The glutamine at codon 852 is replaced by arginine, an amino acid with highly similar properties. This amino acid position is conserved. In addition, the in silico prediction for this alteration is inconclusive. Since supporting evidence is limited at this time, the clinical significance of this alteration remains unclear.

NM_006231.4(POLE):c.2555A>G (p.Gln852Arg)

Gene: POLE (DNA polymerase epsilon, catalytic subunit; minus strand). Cytogenetic location: 12q24.33.
Variant type: single nucleotide variant.
Coding change: c.2555A>G on transcript NM_006231.4 (MANE Select); coding-DNA position 2555, A replaced by G.
Protein change: p.Gln852Arg; replaces glutamine 852 with arginine.
Molecular consequence: missense variant.
Genome position (GRCh38, 1-based): chr12:132,664,376, T>C on the plus strand (A>G on the coding strand, the complement: POLE is on the minus strand). VCF-style: chr12-132664376-T-C. GRCh37 (hg19) VCF-style: chr12-133240962-T-C.
Other names: c.2555A>G (NM_006231.2); short protein forms Q852R.
Identifiers: ClinVar variation 947867 (VCV000947867.11), dbSNP rs2042745330, ClinGen allele CA387396154.